The following is an entry in ClinVar:

ClinVar aggregate classification (germline): Likely pathogenic (1 of 4 stars; one submission).

Submission:

GeneDx
Classification: Likely pathogenic. Last evaluated: 2025-03-06. Review status: criteria provided, single submitter. Criteria: GeneDx Variant Classification Process June 2021. Collection method: clinical testing. Allele origin: germline. Affected: yes.
Comment: Alters the last nucleotide of the exon and is predicted to destroy the splice donor site and result in aberrant splicing, although in the absence of functional evidence the actual effect of this sequence change is unknown; Not observed at significant frequency in large population cohorts (gnomAD); This variant is associated with the following publications: (PMID: 33586461)

NM_000256.3(MYBPC3):c.1624G>A (p.Glu542Lys)

Gene: MYBPC3 (myosin binding protein C3; minus strand). Cytogenetic location: 11p11.2.
Variant type: single nucleotide variant.
Coding change: c.1624G>A on transcript NM_000256.3 (MANE Select); coding-DNA position 1624, G replaced by A.
Protein change: p.Glu542Lys; replaces glutamic acid 542 with lysine.
Molecular consequence: missense variant.
Genome position (GRCh38, 1-based): chr11:47,342,578, C>T on the plus strand (G>A on the coding strand, the complement: MYBPC3 is on the minus strand). VCF-style: chr11-47342578-C-T. GRCh37 (hg19) VCF-style: chr11-47364129-C-T.
Other names: short protein forms E542K.
Identifiers: ClinVar variation 4083454 (VCV004083454.1).